The following is an entry in ClinVar:

ClinVar aggregate classification (germline): Uncertain significance (1 of 4 stars; one submission).

Conditions:
Hereditary cancer-predisposing syndrome. Also called: Hereditary neoplastic syndrome; Neoplastic Syndromes, Hereditary; Tumor predisposition; Hereditary Cancer Syndrome. Identifiers: Orphanet 140162, MedGen C0027672, MeSH D009386, MONDO:0015356.

Submission:

Ambry Genetics
Classification: Uncertain significance for Hereditary cancer-predisposing syndrome. Last evaluated: 2025-01-25. Review status: criteria provided, single submitter. Criteria: Ambry Variant Classification Scheme 2023. Collection method: clinical testing. Allele origin: germline.
Comment: The p.S2267A variant (also known as c.6799T>G), located in coding exon 10 of the BRCA2 gene, results from a T to G substitution at nucleotide position 6799. The serine at codon 2267 is replaced by alanine, an amino acid with similar properties. This amino acid position is conserved. In addition, the in silico prediction for this alteration is inconclusive. Based on the available evidence, the clinical significance of this variant remains unclear.

NM_000059.4(BRCA2):c.6799T>G (p.Ser2267Ala)

Gene: BRCA2 (BRCA2 DNA repair associated; plus strand). Cytogenetic location: 13q13.1.
Variant type: single nucleotide variant.
Coding change: c.6799T>G on transcript NM_000059.4 (MANE Select); coding-DNA position 6799, T replaced by G.
Protein change: p.Ser2267Ala; replaces serine 2267 with alanine.
Molecular consequence: missense variant. On other transcripts: non-coding transcript variant (1), intron variant (2).
Genome position (GRCh38, 1-based): chr13:32,341,154, T>G. VCF-style: chr13-32341154-T-G. GRCh37 (hg19) VCF-style: chr13-32915291-T-G.
Other names: c.6799T>G, p.Ser2267Ala (NM_001406719.1, NM_001406720.1, NM_001432077.1); c.1910-3404T>G (NM_001406721.1); c.425-3404T>G (NM_001406722.1); short protein forms S2267A.
Identifiers: ClinVar variation 3825446 (VCV003825446.1).